The following is an entry in ClinVar:

ClinVar aggregate classification (germline): Conflicting classifications of pathogenicity. Review status: criteria provided, conflicting classifications (1 of 4 stars). 5 submissions from 5 submitters: Uncertain significance (3); Likely benign (1). 1 of the submissions does not count toward it. Last evaluated 2026-04-20.

Conditions:
Alstrom syndrome (ALMS). Identifiers: Orphanet 64, MedGen C0268425, MONDO:0008763, OMIM 203800.
Cardiovascular phenotype. Identifiers: MedGen CN230736.

Allele frequency attached by ClinVar (database versions not stated): ExAC 0.00002; TOPMed 0.00003.
gnomAD v4.1: 13 of 1,614,128 alleles (0.00081%); highest among the groups gnomAD compares: Admixed American, 0.02%; no homozygotes.

Submissions (5):

GeneDx
Classification: Uncertain significance. Last evaluated: 2026-04-20. Review status: criteria provided, single submitter. Criteria: GeneDx Variant Classification Process June 2021. Collection method: clinical testing. Allele origin: germline.
Comment: In silico analysis suggests that this missense variant does not alter protein structure/function; Has not been previously published as pathogenic or benign to our knowledge

Ambry Genetics
Classification: Likely benign for Cardiovascular phenotype. Last evaluated: 2024-07-09. Review status: criteria provided, single submitter. Criteria: Ambry Variant Classification Scheme 2023. Collection method: clinical testing. Allele origin: germline.

Labcorp Genetics (formerly Invitae), Labcorp
Classification: Uncertain significance for Alstrom syndrome. Last evaluated: 2022-08-21. Review status: criteria provided, single submitter. Criteria: Invitae Variant Classification Sherloc (09022015). Collection method: clinical testing. Allele origin: germline.
Comment: This sequence change replaces lysine, which is basic and polar, with asparagine, which is neutral and polar, at codon 3003 of the ALMS1 protein (p.Lys3003Asn). This variant is present in population databases (rs753980616, gnomAD 0.03%). This variant has not been reported in the literature in individuals affected with ALMS1-related conditions. ClinVar contains an entry for this variant (Variation ID: 403924). In summary, the available evidence is currently insufficient to determine the role of this variant in disease. Therefore, it has been classified as a Variant of Uncertain Significance.

Fulgent Genetics
Classification: Uncertain significance for Alstrom syndrome. Last evaluated: 2022-04-11. Review status: criteria provided, single submitter. Criteria: ACMG Guidelines, 2015. Collection method: clinical testing. Allele origin: unknown.

Natera, Inc.
Classification: Uncertain significance for Alstrom syndrome. Last evaluated: 2021-05-14. Review status: no assertion criteria provided. Collection method: clinical testing. Allele origin: germline. Not counted in ClinVar's aggregate classification.

NM_001378454.1(ALMS1):c.9006G>C (p.Lys3002Asn)

Gene: ALMS1 (ALMS1 centrosome and basal body associated protein; plus strand). Cytogenetic location: 2p13.1.
Variant type: single nucleotide variant.
Coding change: c.9006G>C on transcript NM_001378454.1 (MANE Select); coding-DNA position 9006, G replaced by C.
Protein change: p.Lys3002Asn; replaces lysine 3002 with asparagine.
Molecular consequence: missense variant.
Genome position (GRCh38, 1-based): chr2:73,490,965, G>C. VCF-style: chr2-73490965-G-C. GRCh37 (hg19) VCF-style: chr2-73718092-G-C.
Other names: c.9009G>C, p.Lys3003Asn (NM_015120.4); short protein forms K3003N, K3002N.
Identifiers: ClinVar variation 403924 (VCV000403924.9), dbSNP rs753980616, ClinGen allele CA1714582.
Genomic context (GRCh38, chr2:73,490,965, plus strand): 5'-ACACCATTTTCCCCTTCCTCAAGGTCAGGATTGTGTAGTGGAAAAGAATAATCAACATAA[G>C]CCTAAATCACACATTTCTAATATAAATGTTGAAGCCAAGTTCAATACTGTGGTCTCCCAG-3'
Protein context (NP_001365383.1, residues 2992-3012): DCVVEKNNQH[Lys3002Asn]PKSHISNINV